The following is an entry in ClinVar:

NM_000163.5(GHR):c.484G>A (p.Val162Ile)

Gene: GHR (growth hormone receptor; plus strand). Cytogenetic location: 5p12.
Variant type: single nucleotide variant.
Coding change: c.484G>A on transcript NM_000163.5 (MANE Select); coding-DNA position 484, G replaced by A.
Protein change: p.Val162Ile; replaces valine 162 with isoleucine.
Molecular consequence: missense variant.
Genome position (GRCh38, 1-based): chr5:42,699,868, G>A. VCF-style: chr5-42699868-G-A. GRCh37 (hg19) VCF-style: chr5-42699970-G-A.
Other names: V144I; c.505G>A, p.Val169Ile (NM_001242399.2); c.484G>A, p.Val162Ile (NM_001242400.2, NM_001242401.4, NM_001242402.2 and 5 more transcripts); c.418G>A, p.Val140Ile (NM_001242460.2); short protein forms V162I, V140I, V169I.
Identifiers: ClinVar variation 8652 (VCV000008652.17), dbSNP rs6413484, ClinGen allele CA119809.

ClinVar aggregate classification (germline): Conflicting classifications of pathogenicity. Review status: criteria provided, conflicting classifications (1 of 4 stars). 6 submissions from 6 submitters: Uncertain significance (1); Benign (3); Likely benign (1). 1 of the submissions does not count toward it. Last evaluated 2026-02-01.

Conditions:
GHR-related disorder. Also called: GHR-related condition.
Laron-type isolated somatotropin defect. Also called: Laron Syndrome; Growth hormone binding protein deficiency or dysfunction; Growth hormone receptor deficiency or dysfunction; Laron dwarfism; Laron type pituitary dwarfism I; GROWTH HORMONE RECEPTOR DEFICIENCY. Identifiers: Orphanet 633, MedGen C0271568, MONDO:0009877, OMIM 262500.
Short stature due to partial GHR deficiency. Also called: Growth hormone, insensitivity to, partial; GROWTH HORMONE DEFICIENCY, ISOLATED PARTIAL; GROWTH HORMONE INSENSITIVITY, PARTIAL. Identifiers: Orphanet 314802, Orphanet 314811, MedGen C1858656, MONDO:0011420, OMIM 604271.

Allele frequency attached by ClinVar (database versions not stated): TOPMed 0.00441; 1000 Genomes Project 30x 0.00656; 1000 Genomes Project 0.00659.
gnomAD v4.1: 1,260 of 1,610,894 alleles (0.078%); highest among the groups gnomAD compares: African/African-American, 1.3%; 16 homozygotes.

Submissions (6):

Labcorp Genetics (formerly Invitae), Labcorp
Classification: Benign. Last evaluated: 2026-02-01. Review status: criteria provided, single submitter. Criteria: Invitae Variant Classification Sherloc (09022015). Collection method: clinical testing. Allele origin: germline.

PreventionGenetics, part of Exact Sciences
Classification: Likely benign for GHR-related condition. Last evaluated: 2025-10-19. Review status: criteria provided, single submitter. Criteria: ACMG Guidelines, 2015. Collection method: clinical testing. Allele origin: germline.
Comment: This variant is classified as likely benign based on ACMG/AMP sequence variant interpretation guidelines (Richards et al. 2015 PMID: 25741868, with internal and published modifications).

Mendelics
Classification: Uncertain significance for Laron-type isolated somatotropin defect. Last evaluated: 2019-05-28. Review status: criteria provided, single submitter. Criteria: Mendelics Assertion Criteria 2017. Collection method: clinical testing. Allele origin: unknown.

Athena Diagnostics
Classification: Benign. Last evaluated: 2018-06-29. Review status: criteria provided, single submitter. Criteria: Athena Diagnostics Criteria. Collection method: clinical testing. Allele origin: germline.

Illumina Laboratory Services, Illumina
Classification: Benign for Laron-type isolated somatotropin defect. Last evaluated: 2017-04-27. Review status: criteria provided, single submitter. Criteria: ICSL Variant Classification Criteria 13 December 2019. Collection method: clinical testing. Allele origin: germline.
Comment: This variant was observed as part of a predisposition screen in an ostensibly healthy population. A literature search was performed for the gene, cDNA change, and amino acid change (where applicable). Publications were found based on this search. The evidence from the literature, in combination with allele frequency data from public databases where available, was sufficient to rule this variant out of causing disease. Therefore, this variant is classified as benign.

OMIM
Classification: Pathogenic for GROWTH HORMONE INSENSITIVITY, PARTIAL. Last evaluated: 1998-11-01. Review status: no assertion criteria provided. Collection method: literature only. Allele origin: germline. Not counted in ClinVar's aggregate classification.

Literature cited by the submitters: PubMed 9814495 (cited by 3 submitters); PubMed 27408750 (cited by Athena Diagnostics); PubMed 28498917 (cited by Athena Diagnostics); PubMed 24150201 (cited by Athena Diagnostics); PubMed 12217488 (cited by Athena Diagnostics); PubMed 21525302 (cited by Athena Diagnostics).